The following is an entry in ClinVar:

ClinVar aggregate classification (germline): Uncertain significance (1 of 4 stars; one submission).

Conditions:
Grebe syndrome. Also called: GREBE DYSPLASIA; ACROMESOMELIC DYSPLASIA 2A; ACROMESOMELIC DYSPLASIA, GREBE TYPE. Identifiers: Orphanet 2098, MedGen C0265260, MONDO:0008703, OMIM 200700.

gnomAD v4.1: 2 of 1,614,170 alleles (0.00012%); highest among the groups gnomAD compares: Non-Finnish European, 0.00017%; no homozygotes.

Submission:

Foundation for Research in Genetics and Endocrinology, FRIGE's Institute of Human Genetics
Classification: Uncertain significance for Grebe syndrome. Last evaluated: 2022-10-19. Review status: criteria provided, single submitter. Criteria: ACMG Guidelines, 2015. Collection method: clinical testing. Allele origin: germline. Inheritance: Autosomal recessive inheritance. Affected: yes. Observed: 1 heterozygote.
Comment: A heterozygous nonsense variation in exon 2 of the GDF5 gene that results in a stop codon and premature truncation of the protein at codon 371(p.Glu371Ter; ENST00000374369.8) was detected. This variant has not been reported in the 1000 genomes, gnomAD and our internal databases. The in silico prediction of the variant is damaging by MutationTaster2. The reference codon is conserved across species.

NM_000557.5(GDF5):c.1111G>T (p.Glu371Ter)

Genes: GDF5-AS1 (GDF5 antisense RNA 1; plus strand), GDF5 (growth differentiation factor 5; minus strand). Cytogenetic location: 20q11.22.
Variant type: single nucleotide variant.
Coding change: c.1111G>T on transcript NM_000557.5 (MANE Select); coding-DNA position 1111, G replaced by T.
Protein change: p.Glu371Ter; replaces glutamic acid 371 with a stop codon.
Molecular consequence: nonsense. On other transcripts: non-coding transcript variant (1).
Genome position (GRCh38, 1-based): chr20:35,434,304, C>A on the plus strand (G>T on the coding strand, the complement: GDF5 is on the minus strand). VCF-style: chr20-35434304-C-A. GRCh37 (hg19) VCF-style: chr20-34022102-C-A.
Other names: p.Glu371Ter; c.1111G>T, p.Glu371Ter (NM_001319138.2); short protein forms E371*.
Identifiers: ClinVar variation 1802523 (VCV001802523.2), dbSNP rs1568731608, ClinGen allele CA408739949.